The following is an entry in ClinVar:

NM_001123385.2(BCOR):c.3503-1G>C

Gene: BCOR (BCL6 corepressor; minus strand). Cytogenetic location: Xp11.4.
Variant type: single nucleotide variant.
Coding change: c.3503-1G>C on transcript NM_001123385.2 (MANE Select); the canonical splice acceptor site of the intron before coding-DNA position 3503, G replaced by C.
Molecular consequence: splice acceptor variant. On other transcripts: intron variant (4).
Genome position (GRCh38, 1-based): chrX:40,063,953, C>G on the plus strand (G>C on the coding strand, the complement: BCOR is on the minus strand). VCF-style: chrX-40063953-C-G. GRCh37 (hg19) VCF-style: chrX-39923206-C-G.
Other names: c.3449-103G>C (NM_001123384.2); c.3449-1G>C (NM_001438207.1); c.3503-103G>C (NM_001123383.2, NM_001438208.1, NM_017745.6); c.3503-1G>C (NM_001437510.1, NM_001437511.1).
Identifiers: ClinVar variation 1211100 (VCV001211100.3), dbSNP rs1935042036, ClinGen allele CA412738734.
Genomic context (GRCh38, chrX:40,063,953, plus strand): 5'-AATGTGGGTCTTCTAAGTGGTTAGAGGAACTGTTTGTCATTTCCCTCTCAGGCCAGTCAT[C>G]TAATGGAGAAATAACTACAAATTAATCAAAAAGCCCCCCGGGGGGGAACAAACTGTCTTA-3'

ClinVar aggregate classification (germline): Uncertain significance (1 of 4 stars; one submission).

Submission:

GeneDx
Classification: Uncertain significance. Last evaluated: 2019-08-28. Review status: criteria provided, single submitter. Criteria: GeneDx Variant Classification Process June 2021. Collection method: clinical testing. Allele origin: germline. Affected: yes.
Comment: Not observed in large population cohorts (Lek et al., 2016); Canonical splice site variant predicted to result in an in-frame deletion of exon 8; Has not been previously published as pathogenic or benign to our knowledge